The following is an entry in ClinVar:

NM_002019.4(FLT1):c.3204T>C (p.Pro1068=)

Gene: FLT1 (fms related receptor tyrosine kinase 1; minus strand). Cytogenetic location: 13q12.3.
Variant type: single nucleotide variant.
Coding change: c.3204T>C on transcript NM_002019.4 (MANE Select); coding-DNA position 3204, T replaced by C.
Protein change: p.Pro1068=; no amino-acid change (proline 1068 retained).
Molecular consequence: synonymous variant.
Genome position (GRCh38, 1-based): chr13:28,319,505, A>G on the plus strand (T>C on the coding strand, the complement: FLT1 is on the minus strand). VCF-style: chr13-28319505-A-G. GRCh37 (hg19) VCF-style: chr13-28893642-A-G.
Identifiers: ClinVar variation 162072 (VCV000162072.4), dbSNP rs2296189, ClinGen allele CA251192.
Genomic context (GRCh38, chr13:28,319,505, plus strand): 5'-CAATACTCCGTAAGACCACACGTCGCTCTTGGTGCTGTAGATTTTGTCAAAGATAGATTC[A>G]GGAGCCATCCATTTCAGAGGAAGTCGAGTCTAGAAGAGGGCAAGGGGGCCTTGAGCAGAA-3'
Protein context (NP_002010.2, residues 1058-1078): DTRLPLKWMA[Pro1068=]ESIFDKIYST

ClinVar aggregate classification (germline): Benign. Review status: criteria provided, multiple submitters, no conflicts (2 of 4 stars). 3 submissions from 3 submitters: Benign (2). 1 of the submissions does not count toward it. Last evaluated 2018-07-13.

Conditions:
Carcinoma of colon (CRC). Also called: Colonic carcinoma; Colon carcinoma. Identifiers: MedGen C0699790, MONDO:0002032.

Allele frequency attached by ClinVar (database versions not stated): ESP Exome Variant Server 0.21413; TOPMed 0.21268; 1000 Genomes Project 30x 0.24282; 1000 Genomes Project 0.24301.
gnomAD v4.1: 325,346 of 1,612,098 alleles (20%); highest among the groups gnomAD compares: South Asian, 41%; 36,238 homozygotes.

Submissions (3):

GeneDx
Classification: Benign. Last evaluated: 2018-07-13. Review status: criteria provided, single submitter. Criteria: GeneDx Variant Classification Process June 2021. Collection method: clinical testing. Allele origin: germline. Affected: yes.

Breakthrough Genomics
Classification: Benign. Review status: criteria provided, single submitter. Criteria: ACMG Guidelines, 2015. Collection method: not provided. Allele origin: germline. Inheritance: Unknown mechanism. Affected: yes.

Immunobiology Lab; University of Kashmir
No classification provided. Condition: Carcinoma of colon. Review status: no classification provided. Collection method: not provided. Allele origin: somatic. Not counted in ClinVar's aggregate classification.
ClinVar note: Converted during submission from untested to not provided.